The following is an entry in ClinVar:

NM_001270974.2(HYDIN):c.14895A>G (p.Thr4965=)

Gene: HYDIN (HYDIN axonemal central pair apparatus protein; minus strand). Cytogenetic location: 16q22.2.
Variant type: single nucleotide variant.
Coding change: c.14895A>G on transcript NM_001270974.2 (MANE Select); coding-DNA position 14895, A replaced by G.
Protein change: p.Thr4965=; no amino-acid change (threonine 4965 retained).
Molecular consequence: synonymous variant.
Genome position (GRCh38, 1-based): chr16:70,808,051, T>C on the plus strand (A>G on the coding strand, the complement: HYDIN is on the minus strand). VCF-style: chr16-70808051-T-C. GRCh37 (hg19) VCF-style: chr16-70841954-T-C.
Identifiers: ClinVar variation 4982200 (VCV004982200.1).

ClinVar aggregate classification (germline): Likely benign (1 of 4 stars; one submission).

Conditions:
HYDIN-related disorder. Also called: HYDIN-related condition.

gnomAD v4.1: 81 of 1,607,734 alleles (0.005%); highest among the groups gnomAD compares: African/African-American, 0.092%; no homozygotes.

Submission:

PreventionGenetics, part of Exact Sciences
Classification: Likely benign for HYDIN-related condition. Last evaluated: 2025-10-28. Review status: criteria provided, single submitter. Criteria: ACMG Guidelines, 2015. Collection method: clinical testing. Allele origin: germline.
Comment: This variant is classified as likely benign based on ACMG/AMP sequence variant interpretation guidelines (Richards et al. 2015 PMID: 25741868, with internal and published modifications).